The following is an entry in ClinVar:

NM_153252.5(BRWD3):c.*2723A>G

Gene: BRWD3 (bromodomain and WD repeat domain containing 3; minus strand). Cytogenetic location: Xq21.1.
Variant type: single nucleotide variant.
Coding change: c.*2723A>G on transcript NM_153252.5 (MANE Select); 2723 bases downstream of the stop codon, A replaced by G.
Molecular consequence: 3 prime UTR variant.
Genome position (GRCh38, 1-based): chrX:80,673,886, T>C on the plus strand (A>G on the coding strand, the complement: BRWD3 is on the minus strand). VCF-style: chrX-80673886-T-C. GRCh37 (hg19) VCF-style: chrX-79929385-T-C.
Identifiers: ClinVar variation 914703 (VCV000914703.4), dbSNP rs756899423, ClinGen allele CA331835560.

ClinVar aggregate classification (germline): Benign (1 of 4 stars; one submission).

Conditions:
Intellectual developmental disorder, X-linked 93. Also called: Intellectual disability, X-linked 93; MENTAL RETARDATION, X-LINKED, WITH MACROCEPHALY. Identifiers: MedGen C1970841, MONDO:0010393, OMIM 300659.

Allele frequency attached by ClinVar (database versions not stated): gnomAD 0.00049 and 0.00069; 1000 Genomes Project 0.00106; TOPMed 0.00059; 1000 Genomes Project 30x 0.00146.

Submission:

Illumina Laboratory Services, Illumina
Classification: Benign for Intellectual developmental disorder, X-linked 93. Last evaluated: 2018-01-13. Review status: criteria provided, single submitter. Criteria: ICSL Variant Classification Criteria 13 December 2019. Collection method: clinical testing. Allele origin: germline.
Comment: This variant was observed in the ICSL laboratory as part of a predisposition screen in an ostensibly healthy population. It had not been previously curated by ICSL or reported in the Human Gene Mutation Database (HGMD: prior to June 1st, 2018), and was therefore a candidate for classification through an automated scoring system. Utilizing variant allele frequency, disease prevalence and penetrance estimates, and inheritance mode, an automated score was calculated to assess if this variant is too frequent to cause the disease. Based on the score and internal cut-off values, a variant classified as benign is not then subjected to further curation. The score for this variant resulted in a classification of benign for this disease.